The following is an entry in ClinVar:

ClinVar aggregate classification (germline): Uncertain significance (1 of 4 stars; one submission).

gnomAD v4.1: 1 of 1,606,732 alleles (0.000062%); highest among the groups gnomAD compares: Admixed American, 0.0017%; no homozygotes.

Submission:

Labcorp Genetics (formerly Invitae), Labcorp
Classification: Uncertain significance. Last evaluated: 2025-12-24. Review status: criteria provided, single submitter. Criteria: Invitae Variant Classification Sherloc (09022015). Collection method: clinical testing. Allele origin: germline.
Comment: This sequence change replaces tyrosine, which is neutral and polar, with phenylalanine, which is neutral and non-polar, at codon 467 of the CFH protein (p.Tyr467Phe). This variant is present in population databases (no rsID available, gnomAD 0.003%). This variant has not been reported in the literature in individuals affected with CFH-related conditions. An algorithm developed to predict the effect of missense changes on protein structure and function (PolyPhen-2) suggests that this variant is likely to be tolerated. In summary, the available evidence is currently insufficient to determine the role of this variant in disease. Therefore, it has been classified as a Variant of Uncertain Significance.

NM_000186.4(CFH):c.1400A>T (p.Tyr467Phe)

Gene: CFH (complement factor H; plus strand). Cytogenetic location: 1q31.3.
Variant type: single nucleotide variant.
Coding change: c.1400A>T on transcript NM_000186.4 (MANE Select); coding-DNA position 1400, A replaced by T.
Protein change: p.Tyr467Phe; replaces tyrosine 467 with phenylalanine.
Molecular consequence: missense variant.
Genome position (GRCh38, 1-based): chr1:196,713,798, A>T. VCF-style: chr1-196713798-A-T. GRCh37 (hg19) VCF-style: chr1-196682928-A-T.
Other names: short protein forms Y467F.
Identifiers: ClinVar variation 4708296 (VCV004708296.1).